The following is an entry in ClinVar:

ClinVar aggregate classification (germline): Pathogenic (1 of 4 stars; one submission).

Conditions:
Capillary malformation-arteriovenous malformation syndrome. Also called: Capillary malformation-arteriovenous malformation. Identifiers: Orphanet 137667, MedGen C1842180, MONDO:0012016.

Submission:

Labcorp Genetics (formerly Invitae), Labcorp
Classification: Pathogenic for Capillary malformation-arteriovenous malformation syndrome. Last evaluated: 2024-03-03. Review status: criteria provided, single submitter. Criteria: Invitae Variant Classification Sherloc (09022015). Collection method: clinical testing. Allele origin: germline.
Comment: This sequence change creates a premature translational stop signal (p.Ser853*) in the RASA1 gene. It is expected to result in an absent or disrupted protein product. Loss-of-function variants in RASA1 are known to be pathogenic (PMID: 24038909). This variant is not present in population databases (gnomAD no frequency). This variant has not been reported in the literature in individuals affected with RASA1-related conditions. Algorithms developed to predict the effect of sequence changes on RNA splicing suggest that this variant may disrupt the consensus splice site. For these reasons, this variant has been classified as Pathogenic.

Literature cited by the submitters: PubMed 24038909.

NM_002890.3(RASA1):c.2558_2559del (p.Leu852_Ser853insTer)

Genes: CCNH (cyclin H; minus strand), RASA1 (RAS p21 protein activator 1; plus strand). Cytogenetic location: 5q14.3.
Variant type: Deletion.
Coding change: c.2558_2559del on transcript NM_002890.3 (MANE Select); coding-DNA positions 2558 to 2559, 2 bases deleted (CA; older notation c.2558_2559delCA).
Protein change: p.Leu852_Ser853insTer.
Molecular consequence: nonsense. On other transcripts: intron variant (1).
Genome position (GRCh38, 1-based): chr5:87,379,805-87,379,806, CA deleted. VCF-style (leftmost placement, unchanged base first): chr5-87379804-TCA-T. GRCh37 (hg19) VCF-style: chr5-86675621-TCA-T.
Other names: c.2027_2028del, p.Leu675_Ser676insTer (NM_022650.3); c.933+15238_933+15239del (NM_001364075.2).
Identifiers: ClinVar variation 3644282 (VCV003644282.2).